The following is an entry in ClinVar:

ClinVar aggregate classification (germline): Conflicting classifications of pathogenicity. Review status: criteria provided, conflicting classifications (1 of 4 stars). 13 submissions from 13 submitters: Uncertain significance (11); Likely benign (1). 1 of the submissions does not count toward it. Last evaluated 2026-01-18.

Conditions:
Hereditary nonpolyposis colorectal neoplasms. Identifiers: MedGen C0009405, MeSH D003123.
Hereditary cancer-predisposing syndrome. Also called: Neoplastic Syndromes, Hereditary; Hereditary Cancer Syndrome; Tumor predisposition; Hereditary neoplastic syndrome. Identifiers: Orphanet 140162, MedGen C0027672, MeSH D009386, MONDO:0015356.
Lynch syndrome. Identifiers: Orphanet 144, MedGen C4552100, MONDO:0005835. Disease mechanism: loss of function.
Lynch syndrome 5 (LYNCH5). Also called: Colorectal cancer, hereditary nonpolyposis, type 5; Hereditary non-polyposis colorectal cancer, type 5. Identifiers: Orphanet 144, MedGen C1833477, MONDO:0013710, OMIM 614350. Disease mechanism: loss of function.
Endometrial carcinoma. Also called: Endometrial carcinoma, somatic. Identifiers: MedGen C0476089, MONDO:0002447, OMIM 608089, HP:0012114.

Allele frequency attached by ClinVar (database versions not stated): ExAC 0.00001; gnomAD exomes 0.00001; TOPMed 0.00002; gnomAD 0.00003; ESP Exome Variant Server 0.00008.

Submissions (13):

Labcorp Genetics (formerly Invitae), Labcorp
Classification: Likely benign for Hereditary nonpolyposis colorectal neoplasms. Last evaluated: 2026-01-18. Review status: criteria provided, single submitter. Criteria: Invitae Variant Classification Sherloc (09022015). Collection method: clinical testing. Allele origin: germline.

Molecular Diagnostics Laboratory, Catalan Institute of Oncology
Classification: Uncertain significance for Hereditary cancer-predisposing syndrome. Last evaluated: 2025-07-07. Review status: criteria provided, single submitter. Criteria: ClinGen CRC ACMG Specifications MSH6 V1.0.0. Collection method: clinical testing. Allele origin: germline.
Comment: PM2_Supporting, PP3_Moderate c.3800T>C variant, located in exon 8 of the MSH6 gene, is predicted to result in the substitution of methionine with threonine at codon 1267; p.(Met1267Thr).The variant has an allele frequency of 0.0008 % in the GnomAD v4.1.0 database, with a Grpmax filtering allele frequency of 0.0006% (PM2_Supporting)). The SpliceAI algorithm predicts no significant impact on splicing. Computational tools predict a deleterious effect of the variant on protein function (MAPP+PolyPhen-2 prior probability for pathogenicity: 0.916)(Q37PP3_Moderate). To our knowledge, functional studies have not been reported for this variant. The variant has been reported in ClinVar (10x uncertain significance), LOVD (2x uncertain significance, 2x not classified) but it is not present in the InSiGHT database. Based on currently available information, c.3800T>C is classified as an uncertain significance variant according to ClinGen_CRC_ACMG_Specifications_MSH6_v1.0.0.

Ambry Genetics
Classification: Uncertain significance for Hereditary cancer-predisposing syndrome. Last evaluated: 2025-05-20. Review status: criteria provided, single submitter. Criteria: Ambry Variant Classification Scheme 2023. Collection method: clinical testing. Allele origin: germline.
Comment: The p.M1267T variant (also known as c.3800T>C), located in coding exon 8 of the MSH6 gene, results from a T to C substitution at nucleotide position 3800. The methionine at codon 1267 is replaced by threonine, an amino acid with similar properties. This alteration was seen in 2/1058 unselected colorectal cancer patients (Yurgelun MB et al. J. Clin. Oncol. 2017 Apr;35(10):1086-1095). This amino acid position is highly conserved in available vertebrate species. In addition, this alteration is predicted to be deleterious by in silico analysis. Based on the available evidence, the clinical significance of this variant remains unclear.

All of Us Research Program, National Institutes of Health
Classification: Uncertain significance for Lynch syndrome. Last evaluated: 2024-05-14. Review status: criteria provided, single submitter. Criteria: ACMG Guidelines, 2015. Collection method: clinical testing. Allele origin: germline. Inheritance: Autosomal dominant inheritance. Observed: 4 variant alleles, 4 heterozygotes.
Comment: This missense variant replaces methionine with threonine at codon 1267 of the MSH6 protein. Computational prediction suggests that this variant may have deleterious impact on protein structure and function (internally defined REVEL score threshold >= 0.7, PMID: 27666373). To our knowledge, functional studies have not been reported for this variant. This variant has been reported in individuals affected with colorectal cancer (PMID: 28135145). It has also been reported in individuals affected with breast or ovarian cancer, as well as an unaffected control individual (PMID: 30982232, 33471991). This variant has been identified in 3/282602 chromosomes in the general population by the Genome Aggregation Database (gnomAD). The available evidence is insufficient to determine the role of this variant in disease conclusively. Therefore, this variant is classified as a Variant of Uncertain Significance.

This study involves interpretation of variants in research participants for the purpose of population health screening. Participant phenotype was not available at the time of variant classification. Additional details can be found in publication PMID: 35346344, PMCID: PMC8962531

Color Diagnostics, LLC DBA Color Health
Classification: Uncertain significance for Hereditary cancer-predisposing syndrome. Last evaluated: 2024-04-18. Review status: criteria provided, single submitter. Criteria: ACMG Guidelines, 2015. Collection method: clinical testing. Allele origin: germline.
Comment: This missense variant replaces methionine with threonine at codon 1267 of the MSH6 protein. Computational prediction suggests that this variant may have deleterious impact on protein structure and function (internally defined REVEL score threshold >= 0.7, PMID: 27666373). To our knowledge, functional studies have not been reported for this variant. This variant has been reported in individuals affected with colorectal cancer (PMID: 28135145). It has also been reported in individuals affected with breast or ovarian cancer, as well as an unaffected control individual (PMID: 30982232, 33471991). This variant has been identified in 3/282602 chromosomes in the general population by the Genome Aggregation Database (gnomAD). The available evidence is insufficient to determine the role of this variant in disease conclusively. Therefore, this variant is classified as a Variant of Uncertain Significance.

Blueprint Genetics
Classification: Uncertain significance. Last evaluated: 2024-04-08. Review status: criteria provided, single submitter. Criteria: ACMG Guidelines, 2015. Collection method: clinical testing. Allele origin: germline.

Baylor Genetics
Classification: Uncertain significance for Endometrial carcinoma. Last evaluated: 2024-01-17. Review status: criteria provided, single submitter. Criteria: ACMG Guidelines, 2015. Collection method: clinical testing. Allele origin: unknown.

GeneDx
Classification: Uncertain significance. Last evaluated: 2023-06-09. Review status: criteria provided, single submitter. Criteria: GeneDx Variant Classification Process June 2021. Collection method: clinical testing. Allele origin: germline. Affected: yes.
Comment: Not observed at significant frequency in large population cohorts (gnomAD); In silico analysis supports that this missense variant has a deleterious effect on protein structure/function; Identified in individuals with colorectal or breast cancer (Yurgelun et al., 2017; Wang et al., 2019); This variant is associated with the following publications: (PMID: 28135145, 23621914, 30982232, 17531815, 21120944)

Myriad Genetics, Inc.
Classification: Uncertain significance for Lynch syndrome 5. Last evaluated: 2023-03-29. Review status: criteria provided, single submitter. Criteria: Myriad Autosomal Dominant, Autosomal Recessive and X-Linked Classification Criteria (2023). Collection method: clinical testing. Allele origin: unknown.
Comment: This variant is classified as a variant of uncertain significance as there is insufficient evidence to determine its impact on protein function and/or cancer risk.

Sema4
Classification: Uncertain significance for Hereditary cancer-predisposing syndrome. Last evaluated: 2021-10-01. Review status: criteria provided, single submitter. Criteria: Sema4 Curation Guidelines. Collection method: curation. Allele origin: germline.
Comment: The MSH6 c.3800T>C (p.M1267T) variant has been reported in two individuals with colorectal cancer (PMID: 28135145). Additionally, this variant has been reported in at least one individual with breast cancer who also carried a likely disease-causing variant in the BRIP1 gene (PMID: 30982232). This variant has also been reported in 1/60466 breast cancer cases and 1/53461 healthy controls by a large case-control study (PMID: 33471991). It was observed in 3/282602 chromosomes among all subpopulations in the large and broad cohorts of the Genome Aggregation Database (PMID: 32461654). The variant has been reported in ClinVar (Variation ID 142672). The variant affects the penultimate nucleotide in exon 8. Functional studies have not been performed, and in silico predictions of the variant's effect on splicing are inconclusive. The evidence is insufficient to meet ACMG/AMP criteria for classifying the variant as benign or pathogenic. Thus, the clinical significance of this variant is currently uncertain.

Women's Health and Genetics/Laboratory Corporation of America, LabCorp
Classification: Uncertain significance. Last evaluated: 2021-01-26. Review status: criteria provided, single submitter. Criteria: LabCorp Variant Classification Summary - May 2015. Collection method: clinical testing. Allele origin: germline.
Comment: Variant summary: MSH6 c.3800T>C (p.Met1267Thr) results in a non-conservative amino acid change located in the C-terminal domain (IPR000432) of the encoded protein sequence. Five of five in-silico tools predict a damaging effect of the variant on protein function. 4/4 computational tools predict no significant impact on normal splicing. However, these predictions have yet to be confirmed by functional studies. The variant allele was found at a frequency of 8e-06 in 251200 control chromosomes (gnomAD). The available data on variant occurrences in the general population are insufficient to allow any conclusion about variant significance. c.3800T>C has been reported in the literature in individuals affected with colorectal cancer and breast cancer (Yurgelun_2017, Wang_2019). These reports do not provide unequivocal conclusions about association of the variant with Hereditary Nonpolyposis Colorectal Cancer. One co-occurrence with another pathogenic variant has been reported (BRIP1 c.1066C>T, p.Arg356Ter), providing supporting evidence for a benign role (Wang_2019). To our knowledge, no experimental evidence demonstrating an impact on protein function has been reported. Six ClinVar submitters (evaluation after 2014) cite the variant as uncertain significance. Based on the evidence outlined above, the variant was classified as uncertain significance.

Quest Diagnostics Nichols Institute San Juan Capistrano
Classification: Uncertain significance. Last evaluated: 2016-09-09. Review status: criteria provided, single submitter. Criteria: Quest Diagnostics criteria. Collection method: clinical testing. Allele origin: germline.

Counsyl
Classification: Uncertain significance for Lynch syndrome 5. Last evaluated: 2017-10-02. Review status: no assertion criteria provided. Collection method: clinical testing. Allele origin: unknown. Not counted in ClinVar's aggregate classification.

Literature cited by the submitters: PubMed 28135145 (cited by 6 submitters); PubMed 30982232 (cited by 4 submitters); PubMed 33471991 (cited by 3 submitters); PubMed 23621914 (cited by 3 submitters).

NM_000179.3(MSH6):c.3800T>C (p.Met1267Thr)

Gene: MSH6 (mutS homolog 6; plus strand). Cytogenetic location: 2p16.3.
Variant type: single nucleotide variant.
Coding change: c.3800T>C on transcript NM_000179.3 (MANE Select); coding-DNA position 3800, T replaced by C.
Protein change: p.Met1267Thr; replaces methionine 1267 with threonine.
Molecular consequence: missense variant.
Genome position (GRCh38, 1-based): chr2:47,806,357, T>C. VCF-style: chr2-47806357-T-C. GRCh37 (hg19) VCF-style: chr2-48033496-T-C.
Other names: c.3410T>C, p.Met1137Thr (NM_001281492.2); c.2894T>C, p.Met965Thr (NM_001281493.2, NM_001281494.2); short protein forms M1267T, M965T, M1137T.
Identifiers: ClinVar variation 142672 (VCV000142672.34), dbSNP rs148445930, ClinGen allele CA014348.